The following is an entry in ClinVar:

ClinVar aggregate classification (germline): Conflicting classifications of pathogenicity. Review status: criteria provided, conflicting classifications (1 of 4 stars). 7 submissions from 7 submitters: Uncertain significance (4); Likely benign (2). 1 of the submissions does not count toward it. Last evaluated 2025-08-20.

Conditions:
Hereditary cancer-predisposing syndrome. Also called: Hereditary Cancer Syndrome; Hereditary neoplastic syndrome; Neoplastic Syndromes, Hereditary; Tumor predisposition. Identifiers: Orphanet 140162, MedGen C0027672, MeSH D009386, MONDO:0015356.
Hereditary breast ovarian cancer syndrome. Also called: BRCA1- and BRCA2-Associated Hereditary Breast and Ovarian Cancer; Hereditary breast and ovarian cancer syndrome; Hereditary breast and ovarian cancer syndrome (HBOC); Breast and ovarian cancer; Hereditary breast and/or ovarian cancer syndrome; Hereditary breast and ovarian cancer. Identifiers: Orphanet 145, MedGen C0677776, MeSH D061325, MONDO:0003582. Disease mechanism: loss of function.
Breast-ovarian cancer, familial, susceptibility to, 1 (BROVCA1). Also called: BRCA1 Hereditary Breast and Ovarian Cancer; OVARIAN CANCER, SUSCEPTIBILITY TO. Identifiers: Orphanet 145, MedGen C2676676, MONDO:0011450, OMIM 604370. Disease mechanism: loss of function.

Allele frequency attached by ClinVar (database versions not stated): gnomAD exomes below 0.00001.
gnomAD v4.1: 2 of 1,613,532 alleles (0.00012%); highest among the groups gnomAD compares: African/African-American, 0.0013%; no homozygotes.

Submissions (7):

Labcorp Genetics (formerly Invitae), Labcorp
Classification: Uncertain significance for Hereditary breast ovarian cancer syndrome. Last evaluated: 2025-08-20. Review status: criteria provided, single submitter. Criteria: Invitae Variant Classification Sherloc (09022015). Collection method: clinical testing. Allele origin: germline.
Comment: This sequence change replaces arginine, which is basic and polar, with lysine, which is basic and polar, at codon 1347 of the BRCA1 protein (p.Arg1347Lys). This variant is not present in population databases (gnomAD no frequency). This missense change has been observed in individual(s) with breast cancer (PMID: 19491284, 35980532). ClinVar contains an entry for this variant (Variation ID: 55081). Invitae Evidence Modeling of protein sequence and biophysical properties (such as structural, functional, and spatial information, amino acid conservation, physicochemical variation, residue mobility, and thermodynamic stability) has been performed for this missense variant. However, the output from this modeling did not meet the statistical confidence thresholds required to predict the impact of this variant on BRCA1 protein function. In summary, the available evidence is currently insufficient to determine the role of this variant in disease. Therefore, it has been classified as a Variant of Uncertain Significance.

Ambry Genetics
Classification: Uncertain significance for Hereditary cancer-predisposing syndrome. Last evaluated: 2025-02-14. Review status: criteria provided, single submitter. Criteria: Ambry Variant Classification Scheme 2023. Collection method: clinical testing. Allele origin: germline.
Comment: The p.R1347K variant (also known as c.4040G>A), located in coding exon 9 of the BRCA1 gene, results from a G to A substitution at nucleotide position 4040. The arginine at codon 1347 is replaced by lysine, an amino acid with highly similar properties. This alteration was identified in multiple individuals with a personal and/or family history of breast cancer (Haffty BG et al. Ann Oncol, 2009 Oct;20:1653-9; Pereira JZ et al. Mol Biol Rep, 2022 Oct;49:9509-9520). This amino acid position is not well conserved in available vertebrate species. In addition, the in silico prediction for this alteration is inconclusive. Based on the available evidence, the clinical significance of this variant remains unclear.

Molecular Diagnostics Laboratory, Catalan Institute of Oncology
Classification: Likely benign for Hereditary cancer-predisposing syndrome. Last evaluated: 2025-02-11. Review status: criteria provided, single submitter. Criteria: ClinGen BRCA1BRCA2 ACMG Specifications BRCA1 V1.0.0. Collection method: clinical testing. Allele origin: germline.
Comment: PM2_Supporting, BP1_Strong c.4040G>A, located in exon 10 (11 according to BIC nomenclature) of the BRCA1 gene, is predicted to result in the substitution of arginine by lysine at codon 1347, p.(Arg1347Lys). This position is outside a (potentially) clinically important functional domain and the SpliceAI algorithm predicts no significant impact on splicing (BP1_strong). It is not present in the population database gnomAD v2.1.1, non cancer dataset (PM2_supporting). To our knowledge, neither relevant clinical data nor well-stablished functional studies have been reported for this variant. In addition, the variant was identified in the the BRCA Exchange (Not Yet Reviewed) and ClinVar (1x likely benign, 4x uncertain significance) databases but it is not present in the LOVD database. Based on the currently available information, c.4040G>A is classified as a likely benign variant according to ClinGen-BRCA1 Guidelines version v1.0.0.

University of Washington Department of Laboratory Medicine, University of Washington
Classification: Likely benign for Hereditary cancer-predisposing syndrome. Last evaluated: 2023-03-23. Review status: criteria provided, single submitter. Criteria: Dines et al. (Genet Med. 2020). Collection method: curation. Allele origin: germline.
Comment: Missense variant in a coldspot region where missense variants are very unlikely to be pathogenic (PMID:31911673).

BRCA1 coldspot (exon 11 using historical exon numbering). Reclassification based on statistical prior probability

Color Diagnostics, LLC DBA Color Health
Classification: Uncertain significance for Hereditary cancer-predisposing syndrome. Last evaluated: 2023-02-21. Review status: criteria provided, single submitter. Criteria: ACMG Guidelines, 2015. Collection method: clinical testing. Allele origin: germline.
Comment: This missense variant replaces arginine with lysine at codon 1347 of the BRCA1 protein. Computational prediction is inconclusive regarding the impact of this variant on protein structure and function (internally defined REVEL score threshold 0.5 < inconclusive < 0.7, PMID: 27666373). Splice site prediction tools suggest that this variant may not impact RNA splicing. To our knowledge, functional studies have not been performed for this variant. This variant has been reported in an individual affected with breast cancer (PMID: 19491284). This variant has not been identified in the general population by the Genome Aggregation Database (gnomAD). The available evidence is insufficient to determine the role of this variant in disease conclusively. Therefore, this variant is classified as a Variant of Uncertain Significance.

Mendelics
Classification: Uncertain significance. Last evaluated: 2022-05-04. Review status: criteria provided, single submitter. Criteria: Mendelics Assertion Criteria 2019. Collection method: clinical testing. Allele origin: germline.

Breast Cancer Information Core (BIC) (BRCA1)
Classification: Uncertain significance for Breast-ovarian cancer, familial 1. Last evaluated: 2007-04-10. Review status: no assertion criteria provided. Collection method: clinical testing. Allele origin: germline. Affected: yes. Observed: 2 variant alleles. Not counted in ClinVar's aggregate classification.

Literature cited by the submitters: PubMed 19491284 (cited by 3 submitters); PubMed 35980532 (cited by Labcorp Genetics (formerly Invitae), Labcorp and Ambry Genetics).

NM_007294.4(BRCA1):c.4040G>A (p.Arg1347Lys)

Genes: BRCA1 (BRCA1 DNA repair associated; minus strand), LOC126862571 (BRD4-independent group 4 enhancer GRCh37_chr17:41243136-41244335; plus strand). Cytogenetic location: 17q21.31.
Variant type: single nucleotide variant.
Coding change: c.4040G>A on transcript NM_007294.4 (MANE Select); coding-DNA position 4040, G replaced by A.
Protein change: p.Arg1347Lys; replaces arginine 1347 with lysine.
Molecular consequence: missense variant. On other transcripts: intron variant (135).
Genome position (GRCh38, 1-based): chr17:43,091,491, C>T on the plus strand (G>A on the coding strand, the complement: BRCA1 is on the minus strand). VCF-style: chr17-43091491-C-T. GRCh37 (hg19) VCF-style: chr17-41243508-C-T.
Other names: c.3776G>A, p.Arg1259Lys (NM_001407920.1, NM_001407921.1, NM_001407922.1 and 9 more transcripts); c.3773G>A, p.Arg1258Lys (NM_001407930.1, NM_001407931.1, NM_001407932.1 and 2 more transcripts); c.3917G>A, p.Arg1306Lys (NM_001407937.1, NM_001407938.1, NM_001407939.1 and 19 more transcripts); c.3914G>A, p.Arg1305Lys (NM_001407940.1, NM_001407941.1, NM_001407649.1 and 11 more transcripts); c.3899G>A, p.Arg1300Lys (NM_001407942.1, NM_001407944.1, NM_001407945.1 and 29 more transcripts); c.3896G>A, p.Arg1299Lys (NM_001407943.1, NM_001407964.1, NM_001407740.1 and 20 more transcripts); c.3707G>A, p.Arg1236Lys (NM_001407946.1, NM_001407947.1, NM_001407948.1 and 6 more transcripts); c.3704G>A, p.Arg1235Lys (NM_001407954.1, NM_001407955.1, NM_001407956.1 and 1 more transcripts); and 41 more; short protein forms R1347K, R1300K, R1236K, R1280K, R1299K, R1305K, R1346K, R479K.
Identifiers: ClinVar variation 55081 (VCV000055081.16), dbSNP rs80357210, ClinGen allele CA002579.